The following is an entry in ClinVar:

NM_004369.4(COL6A3):c.5731C>T (p.Leu1911Phe)

Gene: COL6A3 (collagen type VI alpha 3 chain; minus strand). Cytogenetic location: 2q37.3.
Variant type: single nucleotide variant.
Coding change: c.5731C>T on transcript NM_004369.4 (MANE Select); coding-DNA position 5731, C replaced by T.
Protein change: p.Leu1911Phe; replaces leucine 1911 with phenylalanine.
Molecular consequence: missense variant.
Genome position (GRCh38, 1-based): chr2:237,365,805, G>A on the plus strand (C>T on the coding strand, the complement: COL6A3 is on the minus strand). VCF-style: chr2-237365805-G-A. GRCh37 (hg19) VCF-style: chr2-238274448-G-A.
Other names: c.3910C>T, p.Leu1304Phe (NM_057166.5); c.5113C>T, p.Leu1705Phe (NM_057167.4); short protein forms L1304F, L1705F, L1911F.
Identifiers: ClinVar variation 1339873 (VCV001339873.11), dbSNP rs2106349155, ClinGen allele CA351185826.

ClinVar aggregate classification (germline): Uncertain significance (1 of 4 stars; one submission).

Conditions:
Bethlem myopathy 1A. Also called: MYOPATHY, BENIGN CONGENITAL, WITH CONTRACTURES; Bethlem Muscular Dystrophy; Bethlem myopathy 1. Identifiers: Orphanet 610, MedGen CN029274, MONDO:0024530, OMIM 158810.
Ullrich congenital muscular dystrophy 1A. Also called: Intermediate COL6-RD; Ullrich congenital muscular dystrophy 1. Identifiers: Orphanet 75840, MedGen C0410179, MONDO:0009681, OMIM 254090.

Submission:

Labcorp Genetics (formerly Invitae), Labcorp
Classification: Uncertain significance for Bethlem myopathy 1A. Last evaluated: 2022-06-27. Review status: criteria provided, single submitter. Criteria: Invitae Variant Classification Sherloc (09022015). Collection method: clinical testing. Allele origin: germline.
Comment: In summary, the available evidence is currently insufficient to determine the role of this variant in disease. Therefore, it has been classified as a Variant of Uncertain Significance. Advanced modeling of protein sequence and biophysical properties (such as structural, functional, and spatial information, amino acid conservation, physicochemical variation, residue mobility, and thermodynamic stability) performed at Invitae indicates that this missense variant is not expected to disrupt COL6A3 protein function. This variant has not been reported in the literature in individuals affected with COL6A3-related conditions. This variant is not present in population databases (gnomAD no frequency). This sequence change replaces leucine, which is neutral and non-polar, with phenylalanine, which is neutral and non-polar, at codon 1911 of the COL6A3 protein (p.Leu1911Phe).